The following is an entry in ClinVar:

NM_177924.5(ASAH1):c.885_886del (p.Asp297fs)

Gene: ASAH1 (N-acylsphingosine amidohydrolase 1; minus strand). Cytogenetic location: 8p22.
Variant type: Microsatellite.
Coding change: c.885_886del on transcript NM_177924.5 (MANE Select); coding-DNA positions 885 to 886, 2 bases deleted (AC; older notation c.885_886delAC).
Protein change: p.Asp297fs; shifts the reading frame from aspartic acid 297.
Molecular consequence: frameshift variant.
Genome position (GRCh38, 1-based): chr8:18,059,603-18,059,604, GT deleted on the plus strand (AC on the coding strand, the reverse complement: ASAH1 is on the minus strand); deleting any 2 consecutive bases within chr8:18,059,603-18,059,606 gives the same sequence; the c. name uses the placement nearest the transcript's 3' end. VCF-style (leftmost placement, unchanged base first): chr8-18059602-CGT-C. GRCh37 (hg19) VCF-style: chr8-17917111-CGT-C.
Other names: c.867_868del, p.Asp291fs (NM_001127505.3); c.690_691del, p.Asp232fs (NM_001363743.2); c.933_934del, p.Asp313fs (NM_004315.6); c.933_934delAC (NM_004315.5); short protein forms D232fs, D291fs, D297fs, D313fs.
Identifiers: ClinVar variation 1323476 (VCV001323476.5), dbSNP rs2117018589, ClinGen allele CA2580614308.

ClinVar aggregate classification (germline): Pathogenic. Review status: criteria provided, single submitter (1 of 4 stars). 2 submissions from 2 submitters: Pathogenic (1). 1 of the submissions does not count toward it. Last evaluated 2019-09-13.

Conditions:
ASAH1-related disorders. Also called: ASAH1-related condition; ASAH1-related disorder. Identifiers: MedGen CN376120, MONDO:0800460.

Submissions (2):

Revvity Omics, Revvity
Classification: Pathogenic. Last evaluated: 2019-09-13. Review status: criteria provided, single submitter. Criteria: ACMG Guidelines, 2015. Collection method: clinical testing. Allele origin: germline.

PreventionGenetics, part of Exact Sciences
Classification: Likely pathogenic for ASAH1-related condition. Last evaluated: 2024-09-14. Review status: no assertion criteria provided. Collection method: clinical testing. Allele origin: germline. Not counted in ClinVar's aggregate classification.
Comment: The ASAH1 c.933_934delAC variant is predicted to result in a frameshift and premature protein termination (p.Asp313Glnfs*9). To our knowledge, this variant has not been reported in the literature or in a large population database, indicating this variant is rare. Frameshift variants in ASAH1 are expected to be pathogenic. This variant is interpreted as likely pathogenic.